The following is an entry in ClinVar:

NM_177438.3(DICER1):c.3886C>G (p.Leu1296Val)

Gene: DICER1 (dicer 1, ribonuclease III; minus strand). Cytogenetic location: 14q32.13.
Variant type: single nucleotide variant.
Coding change: c.3886C>G on transcript NM_177438.3 (MANE Select); coding-DNA position 3886, C replaced by G.
Protein change: p.Leu1296Val; replaces leucine 1296 with valine.
Molecular consequence: missense variant. On other transcripts: non-coding transcript variant (6).
Genome position (GRCh38, 1-based): chr14:95,103,510, G>C on the plus strand (C>G on the coding strand, the complement: DICER1 is on the minus strand). VCF-style: chr14-95103510-G-C. GRCh37 (hg19) VCF-style: chr14-95569847-G-C.
Other names: c.3886C>G, p.Leu1296Val (NM_001195573.1, NM_001271282.3, NM_001395679.1 and 13 more transcripts); c.3604C>G, p.Leu1202Val (NM_001395686.1); c.3481C>G, p.Leu1161Val (NM_001395687.1, NM_001395688.1, NM_001395689.1 and 2 more transcripts); c.3319C>G, p.Leu1107Val (NM_001395691.1); c.2203C>G, p.Leu735Val (NM_001395697.1); short protein forms L1161V, L1107V, L735V, L1296V, L1202V.
Identifiers: ClinVar variation 1735841 (VCV001735841.5), dbSNP rs2542690862, ClinGen allele CA390873240.

ClinVar aggregate classification (germline): Uncertain significance. Review status: criteria provided, multiple submitters, no conflicts (2 of 4 stars). 2 submissions from 2 submitters: Uncertain significance (2). Last evaluated 2023-04-03.

Conditions:
Hereditary cancer-predisposing syndrome. Also called: Neoplastic Syndromes, Hereditary; Tumor predisposition; Hereditary Cancer Syndrome; Hereditary neoplastic syndrome. Identifiers: Orphanet 140162, MedGen C0027672, MeSH D009386, MONDO:0015356.
DICER1-related tumor predisposition. Also called: DICER1 syndrome; DICER1-related pleuropulmonary blastoma cancer predisposition syndrome. Identifiers: Orphanet 284343, MedGen C3839822, MONDO:0100216.

Submissions (2):

Labcorp Genetics (formerly Invitae), Labcorp
Classification: Uncertain significance for DICER1-related tumor predisposition. Last evaluated: 2023-04-03. Review status: criteria provided, single submitter. Criteria: Invitae Variant Classification Sherloc (09022015). Collection method: clinical testing. Allele origin: germline.
Comment: This variant is not present in population databases (gnomAD no frequency). This sequence change replaces leucine, which is neutral and non-polar, with valine, which is neutral and non-polar, at codon 1296 of the DICER1 protein (p.Leu1296Val). In summary, the available evidence is currently insufficient to determine the role of this variant in disease. Therefore, it has been classified as a Variant of Uncertain Significance. Advanced modeling of protein sequence and biophysical properties (such as structural, functional, and spatial information, amino acid conservation, physicochemical variation, residue mobility, and thermodynamic stability) performed at Invitae indicates that this missense variant is not expected to disrupt DICER1 protein function. ClinVar contains an entry for this variant (Variation ID: 1735841). This variant has not been reported in the literature in individuals affected with DICER1-related conditions.

Ambry Genetics
Classification: Uncertain significance for Hereditary cancer-predisposing syndrome. Last evaluated: 2020-06-25. Review status: criteria provided, single submitter. Criteria: Ambry Variant Classification Scheme 2023. Collection method: clinical testing. Allele origin: germline.
Comment: The p.L1296V variant (also known as c.3886C>G), located in coding exon 20 of the DICER1 gene, results from a C to G substitution at nucleotide position 3886. The leucine at codon 1296 is replaced by valine, an amino acid with highly similar properties. This amino acid position is highly conserved in available vertebrate species. In addition, the in silico prediction for this alteration is inconclusive. Since supporting evidence is limited at this time, the clinical significance of this alteration remains unclear.